The following is an entry in ClinVar:

NM_002292.4(LAMB2):c.2218C>T (p.Arg740Cys)

Gene: LAMB2 (laminin subunit beta 2; minus strand). Cytogenetic location: 3p21.31.
Variant type: single nucleotide variant.
Coding change: c.2218C>T on transcript NM_002292.4 (MANE Select); coding-DNA position 2218, C replaced by T.
Protein change: p.Arg740Cys; replaces arginine 740 with cysteine.
Molecular consequence: missense variant.
Genome position (GRCh38, 1-based): chr3:49,126,093, G>A on the plus strand (C>T on the coding strand, the complement: LAMB2 is on the minus strand). VCF-style: chr3-49126093-G-A. GRCh37 (hg19) VCF-style: chr3-49163526-G-A.
Other names: short protein forms R740C.
Identifiers: ClinVar variation 649895 (VCV000649895.8), dbSNP rs748798004, ClinGen allele CA2394354.

ClinVar aggregate classification (germline): Uncertain significance. Review status: criteria provided, multiple submitters, no conflicts (2 of 4 stars). 3 submissions from 3 submitters: Uncertain significance (3). Last evaluated 2024-05-10.

Conditions:
Inborn genetic diseases. Identifiers: MedGen C0950123, MeSH D030342.
Pierson syndrome. Also called: MICROCORIA-CONGENITAL NEPHROTIC SYNDROME. Identifiers: Orphanet 2670, MedGen C1836876, MONDO:0012184, OMIM 609049.
LAMB2-related infantile-onset nephrotic syndrome. Also called: Nephrotic Syndrome, type 5; NEPHROTIC SYNDROME, TYPE 5, WITHOUT OCULAR ABNORMALITIES; NEPHROTIC SYNDROME, TYPE 5, WITH OCULAR ABNORMALITIES. Identifiers: Orphanet 306507, MedGen C3280113, MONDO:0013621, OMIM 614199.

Allele frequency attached by ClinVar (database versions not stated): gnomAD 0.00003 and 0.00004; gnomAD exomes 0.00004 and 0.00005; ExAC 0.00005; TOPMed 0.00005.
gnomAD v4.1: 63 of 1,613,812 alleles (0.0039%); highest among the groups gnomAD compares: Middle Eastern, 0.033%; no homozygotes.

Submissions (3):

Ambry Genetics
Classification: Uncertain significance for Inborn genetic diseases. Last evaluated: 2024-05-10. Review status: criteria provided, single submitter. Criteria: Ambry Variant Classification Scheme 2023. Collection method: clinical testing. Allele origin: germline.

Labcorp Genetics (formerly Invitae), Labcorp
Classification: Uncertain significance for LAMB2-related infantile-onset nephrotic syndrome; Pierson syndrome. Last evaluated: 2022-10-04. Review status: criteria provided, single submitter. Criteria: Invitae Variant Classification Sherloc (09022015). Collection method: clinical testing. Allele origin: germline.
Comment: This variant has not been reported in the literature in individuals affected with LAMB2-related conditions. This sequence change replaces arginine, which is basic and polar, with cysteine, which is neutral and slightly polar, at codon 740 of the LAMB2 protein (p.Arg740Cys). This variant is present in population databases (rs748798004, gnomAD 0.009%). ClinVar contains an entry for this variant (Variation ID: 649895). Algorithms developed to predict the effect of missense changes on protein structure and function (SIFT, PolyPhen-2, Align-GVGD) all suggest that this variant is likely to be disruptive. In summary, the available evidence is currently insufficient to determine the role of this variant in disease. Therefore, it has been classified as a Variant of Uncertain Significance.

Fulgent Genetics
Classification: Uncertain significance for Pierson syndrome; LAMB2-related infantile-onset nephrotic syndrome. Last evaluated: 2022-04-26. Review status: criteria provided, single submitter. Criteria: ACMG Guidelines, 2015. Collection method: clinical testing. Allele origin: unknown.